The following is an entry in ClinVar:

ClinVar aggregate classification (germline): Conflicting classifications of pathogenicity. Review status: criteria provided, conflicting classifications (1 of 4 stars). 2 submissions from 2 submitters: Uncertain significance (1); Likely benign (1). Last evaluated 2024-10-10.

Conditions:
Inborn genetic diseases. Identifiers: MedGen C0950123, MeSH D030342.
Curry-Hall syndrome (WAD). Also called: WEYERS ACRODENTAL DYSOSTOSIS. Identifiers: Orphanet 952, MedGen C0457013, MONDO:0008673, OMIM 193530.
Ellis-van Creveld syndrome (EVC). Also called: EVC-Related Ellis-van Creveld Syndrome; EVC2-Related Ellis-van Creveld Syndrome; MESOECTODERMAL DYSPLASIA; Chondroectodermal dysplasia. Identifiers: Orphanet 289, MedGen C0013903, MONDO:0009162, OMIM 225500.

gnomAD v4.1: 2 of 1,614,014 alleles (0.00012%); no homozygotes.

Submissions (2):

Labcorp Genetics (formerly Invitae), Labcorp
Classification: Uncertain significance for Curry-Hall syndrome; Ellis-van Creveld syndrome. Last evaluated: 2024-10-10. Review status: criteria provided, single submitter. Criteria: Invitae Variant Classification Sherloc (09022015). Collection method: clinical testing. Allele origin: germline.
Comment: This sequence change replaces methionine, which is neutral and non-polar, with threonine, which is neutral and polar, at codon 466 of the EVC2 protein (p.Met466Thr). This variant is present in population databases (no rsID available, gnomAD no frequency). This variant has not been reported in the literature in individuals affected with EVC2-related conditions. An algorithm developed to predict the effect of missense changes on protein structure and function outputs the following: PolyPhen-2: "Benign". The threonine amino acid residue is found in multiple mammalian species, which suggests that this missense change does not adversely affect protein function. In summary, the available evidence is currently insufficient to determine the role of this variant in disease. Therefore, it has been classified as a Variant of Uncertain Significance.

Ambry Genetics
Classification: Likely benign for Inborn genetic diseases. Last evaluated: 2024-03-19. Review status: criteria provided, single submitter. Criteria: Ambry Variant Classification Scheme 2023. Collection method: clinical testing. Allele origin: germline.

NM_147127.5(EVC2):c.1397T>C (p.Met466Thr)

Genes: EVC2 (EvC ciliary complex subunit 2; minus strand), LOC126806961 (BRD4-independent group 4 enhancer GRCh37_chr4:5641443-5642642; plus strand). Cytogenetic location: 4p16.2.
Variant type: single nucleotide variant.
Coding change: c.1397T>C on transcript NM_147127.5 (MANE Select); coding-DNA position 1397, T replaced by C.
Protein change: p.Met466Thr; replaces methionine 466 with threonine.
Molecular consequence: missense variant.
Genome position (GRCh38, 1-based): chr4:5,640,587, A>G on the plus strand (T>C on the coding strand, the complement: EVC2 is on the minus strand). VCF-style: chr4-5640587-A-G. GRCh37 (hg19) VCF-style: chr4-5642314-A-G.
Other names: c.1157T>C, p.Met386Thr (NM_001166136.2); short protein forms M386T, M466T.
Identifiers: ClinVar variation 3276660 (VCV003276660.3).
Genomic context (GRCh38, chr4:5,640,587, plus strand): 5'-CGTTTCAGCAACTCTTCTGCTTCCTCCATTGCCATCATCTCTCTCTGGTACTGGTTTTCC[A>G]TCTTCTTTCTTGTTTCCAGGTCACATTCAGCTGTCAATGCCACCATCTTCCGATCGTACT-3'
Protein context (NP_667338.3, residues 456-476): AECDLETRKK[Met466Thr]ENQYQREMMA